The following is an entry in ClinVar:

ClinVar aggregate classification (germline): Uncertain significance (1 of 4 stars; one submission).

Conditions:
Bethlem myopathy 2 (BTHLM2). Identifiers: Orphanet 536516, Orphanet 610, MedGen C4225313, MONDO:0034022, OMIM 616471.
Ullrich congenital muscular dystrophy 2 (UCMD2). Identifiers: Orphanet 75840, MedGen C4225314, MONDO:0014654, OMIM 616470.

Allele frequency attached by ClinVar (database versions not stated): gnomAD exomes 0.00001.
gnomAD v4.1: 12 of 1,612,138 alleles (0.00074%); highest among the groups gnomAD compares: Non-Finnish European, 0.00093%; no homozygotes.

Submission:

Labcorp Genetics (formerly Invitae), Labcorp
Classification: Uncertain significance for Bethlem myopathy 2; Ullrich congenital muscular dystrophy 2. Last evaluated: 2023-11-07. Review status: criteria provided, single submitter. Criteria: Invitae Variant Classification Sherloc (09022015). Collection method: clinical testing. Allele origin: germline.
Comment: This sequence change replaces lysine, which is basic and polar, with glutamic acid, which is acidic and polar, at codon 2341 of the COL12A1 protein (p.Lys2341Glu). This variant is present in population databases (no rsID available, gnomAD 0.0009%). This variant has not been reported in the literature in individuals affected with COL12A1-related conditions. ClinVar contains an entry for this variant (Variation ID: 2008440). Advanced modeling of protein sequence and biophysical properties (such as structural, functional, and spatial information, amino acid conservation, physicochemical variation, residue mobility, and thermodynamic stability) performed at Invitae indicates that this missense variant is expected to disrupt COL12A1 protein function with a positive predictive value of 80%. In summary, the available evidence is currently insufficient to determine the role of this variant in disease. Therefore, it has been classified as a Variant of Uncertain Significance.

NM_004370.6(COL12A1):c.7021A>G (p.Lys2341Glu)

Gene: COL12A1 (collagen type XII alpha 1 chain; minus strand). Cytogenetic location: 6q13.
Variant type: single nucleotide variant.
Coding change: c.7021A>G on transcript NM_004370.6 (MANE Select); coding-DNA position 7021, A replaced by G.
Protein change: p.Lys2341Glu; replaces lysine 2341 with glutamic acid.
Molecular consequence: missense variant.
Genome position (GRCh38, 1-based): chr6:75,121,367, T>C on the plus strand (A>G on the coding strand, the complement: COL12A1 is on the minus strand). VCF-style: chr6-75121367-T-C. GRCh37 (hg19) VCF-style: chr6-75831083-T-C.
Other names: c.3529A>G, p.Lys1177Glu (NM_080645.3); short protein forms K1177E, K2341E.
Identifiers: ClinVar variation 2008440 (VCV002008440.4), dbSNP rs1417241112, ClinGen allele CA364750015.